The following is an entry in ClinVar:

ClinVar aggregate classification (germline): Uncertain significance (1 of 4 stars; one submission).

Submission:

GeneDx
Classification: Uncertain significance. Last evaluated: 2024-01-08. Review status: criteria provided, single submitter. Criteria: GeneDx Variant Classification Process June 2021. Collection method: clinical testing. Allele origin: germline. Affected: yes.
Comment: Not observed at significant frequency in large population cohorts (gnomAD); Frameshift variant predicted to result in abnormal protein length as the last 32 amino acids are replaced with 53 different amino acids in a gene for which loss-of-function is not a known/ an established mechanism of disease; Has not been previously published as pathogenic or benign to our knowledge

NM_006013.5(RPL10):c.*71_*72del

Gene: RPL10 (ribosomal protein L10; plus strand). Cytogenetic location: Xq28.
Variant type: Deletion.
Coding change: c.*71_*72del on transcript NM_006013.5 (MANE Select); 71 bases downstream of the stop codon through 72 bases downstream of the stop codon, 2 bases deleted (GT; older notation c.*71_*72delGT).
Molecular consequence: 3 prime UTR variant. On other transcripts: frameshift variant (1).
Genome position (GRCh38, 1-based): chrX:154,400,925-154,400,926, GT deleted; deleting any 2 consecutive bases within chrX:154,400,924-154,400,926 gives the same sequence; the c. name uses the placement nearest the transcript's 3' end. VCF-style (leftmost placement, unchanged base first): chrX-154400923-TTG-T. GRCh37 (hg19) VCF-style: chrX-153629264-TTG-T.
Other names: c.553_554del, p.Val185fs (NM_001256577.2); c.*71_*72del (NM_001256580.2, NM_001303624.2, NM_001303625.1); c.*267_*268del (NM_001303626.1); short protein forms V185fs.
Identifiers: ClinVar variation 3367464 (VCV003367464.1).